The following is an entry in ClinVar:

ClinVar aggregate classification (germline): Uncertain significance. Review status: criteria provided, multiple submitters, no conflicts (2 of 4 stars). 8 submissions from 8 submitters: Uncertain significance (8). Last evaluated 2025-12-07.

Conditions:
Inborn genetic diseases. Identifiers: MedGen C0950123, MeSH D030342.
Myopathy, centronuclear, 2 (CNM2). Also called: MYOTUBULAR MYOPATHY, AUTOSOMAL RECESSIVE. Identifiers: Orphanet 169186, MedGen CN031787, MONDO:0009709, OMIM 255200.

Allele frequency attached by ClinVar (database versions not stated): TOPMed 0.00002; gnomAD 0.00003; gnomAD exomes 0.00003.

Submissions (8):

Labcorp Genetics (formerly Invitae), Labcorp
Classification: Uncertain significance for Myopathy, centronuclear, 2. Last evaluated: 2025-12-07. Review status: criteria provided, single submitter. Criteria: Invitae Variant Classification Sherloc (09022015). Collection method: clinical testing. Allele origin: germline.
Comment: This sequence change replaces proline, which is neutral and non-polar, with leucine, which is neutral and non-polar, at codon 381 of the BIN1 protein (p.Pro381Leu). This variant is present in population databases (rs794727107, gnomAD 0.008%). This variant has not been reported in the literature in individuals affected with BIN1-related conditions. ClinVar contains an entry for this variant (Variation ID: 194281). An algorithm developed to predict the effect of missense changes on protein structure and function (PolyPhen-2) suggests that this variant is likely to be tolerated. In summary, the available evidence is currently insufficient to determine the role of this variant in disease. Therefore, it has been classified as a Variant of Uncertain Significance.

Revvity Omics, Revvity
Classification: Uncertain significance for Myopathy, centronuclear, 2. Last evaluated: 2024-06-06. Review status: criteria provided, single submitter. Criteria: ACMG Guidelines, 2015. Collection method: clinical testing. Allele origin: germline.

Ambry Genetics
Classification: Uncertain significance for Inborn genetic diseases. Last evaluated: 2024-01-09. Review status: criteria provided, single submitter. Criteria: Ambry Variant Classification Scheme 2023. Collection method: clinical testing. Allele origin: germline.

Blueprint Genetics
Classification: Uncertain significance. Last evaluated: 2023-03-31. Review status: criteria provided, single submitter. Criteria: ACMG Guidelines, 2015. Collection method: clinical testing. Allele origin: germline.

Mayo Clinic Laboratories, Mayo Clinic
Classification: Uncertain significance. Last evaluated: 2022-12-06. Review status: criteria provided, single submitter. Criteria: ACMG Guidelines, 2015. Collection method: clinical testing. Allele origin: germline. Observed: 1 variant allele.
Comment: BP4

GeneDx
Classification: Uncertain significance. Last evaluated: 2019-12-03. Review status: criteria provided, single submitter. Criteria: GeneDx Variant Classification Process June 2021. Collection method: clinical testing. Allele origin: germline. Affected: yes.
Comment: Not observed at a significant frequency in large population cohorts (Lek et al., 2016); The majority of missense variants in this gene are considered pathogenic (Stenson et al., 2014); In silico analysis, which includes protein predictors and evolutionary conservation, supports a deleterious effect; Has not been previously published as pathogenic or benign to our knowledge

Fulgent Genetics
Classification: Uncertain significance for Myopathy, centronuclear, 2. Last evaluated: 2018-10-31. Review status: criteria provided, single submitter. Criteria: ACMG Guidelines, 2015. Collection method: clinical testing. Allele origin: unknown.

Eurofins Ntd Llc (ga)
Classification: Uncertain significance. Last evaluated: 2014-12-17. Review status: criteria provided, single submitter. Criteria: EGL Classification Definitions 2015. Collection method: clinical testing. Allele origin: germline. Observed: 1 variant allele, 1 heterozygote.

NM_139343.3(BIN1):c.1142C>T (p.Pro381Leu)

Gene: BIN1 (bridging integrator 1; minus strand). Cytogenetic location: 2q14.3.
Variant type: single nucleotide variant.
Coding change: c.1142C>T on transcript NM_139343.3 (MANE Select); coding-DNA position 1142, C replaced by T.
Protein change: p.Pro381Leu; replaces proline 381 with leucine.
Molecular consequence: missense variant. On other transcripts: intron variant (12).
Genome position (GRCh38, 1-based): chr2:127,054,002, G>A on the plus strand (C>T on the coding strand, the complement: BIN1 is on the minus strand). VCF-style: chr2-127054002-G-A. GRCh37 (hg19) VCF-style: chr2-127811578-G-A.
Other names: p.Pro381Leu; c.1049C>T, p.Pro350Leu (NM_001320641.2); c.1061C>T, p.Pro354Leu (NM_001320642.1); c.1013C>T, p.Pro338Leu (NM_139344.3); c.838-3090C>T (NM_001320634.1); c.910-3090C>T (NM_139351.3); c.910-2759C>T (NM_139350.3); c.910-1640C>T (NM_139349.3); and 8 more; short protein forms P381L, P338L, P350L, P354L.
Identifiers: ClinVar variation 194281 (VCV000194281.16), dbSNP rs794727107, ClinGen allele CA240163.